The following is an entry in ClinVar:

NM_005475.3(SH2B3):c.787T>G (p.Cys263Gly)

Gene: SH2B3 (SH2B adaptor protein 3; plus strand). Cytogenetic location: 12q24.12.
Variant type: single nucleotide variant.
Coding change: c.787T>G on transcript NM_005475.3 (MANE Select); coding-DNA position 787, T replaced by G.
Protein change: p.Cys263Gly; replaces cysteine 263 with glycine.
Molecular consequence: missense variant.
Genome position (GRCh38, 1-based): chr12:111,446,807, T>G. VCF-style: chr12-111446807-T-G. GRCh37 (hg19) VCF-style: chr12-111884611-T-G.
Other names: c.181T>G, p.Cys61Gly (NM_001291424.1); short protein forms C61G, C263G.
Identifiers: ClinVar variation 3953379 (VCV003953379.1).

ClinVar aggregate classification (germline): Uncertain significance (1 of 4 stars; one submission).

Conditions:
Inborn genetic diseases. Identifiers: MedGen C0950123, MeSH D030342.

Submission:

Ambry Genetics
Classification: Uncertain significance for Inborn genetic diseases. Last evaluated: 2025-03-24. Review status: criteria provided, single submitter. Criteria: Ambry Variant Classification Scheme 2023. Collection method: clinical testing. Allele origin: germline.
Comment: The p.C263G variant (also known as c.787T>G), located in coding exon 2 of the SH2B3 gene, results from a T to G substitution at nucleotide position 787. The cysteine at codon 263 is replaced by glycine, an amino acid with highly dissimilar properties. This amino acid position is conserved. In addition, the in silico prediction for this alteration is inconclusive. Based on the available evidence, the clinical significance of this variant remains unclear.